The following is an entry in ClinVar:

NM_182760.4(SUMF1):c.241C>A (p.Pro81Thr)

Genes: SUMF1 (sulfatase modifying factor 1; minus strand), LOC129936056 (ATAC-STARR-seq lymphoblastoid silent region 14016; plus strand). Cytogenetic location: 3p26.1.
Variant type: single nucleotide variant.
Coding change: c.241C>A on transcript NM_182760.4 (MANE Select); coding-DNA position 241, C replaced by A.
Protein change: p.Pro81Thr; replaces proline 81 with threonine.
Molecular consequence: missense variant.
Genome position (GRCh38, 1-based): chr3:4,467,005, G>T on the plus strand (C>A on the coding strand, the complement: SUMF1 is on the minus strand). VCF-style: chr3-4467005-G-T. GRCh37 (hg19) VCF-style: chr3-4508689-G-T.
Other names: c.241C>A, p.Pro81Thr (NM_001164674.2, NM_001164675.2); short protein forms P81T.
Identifiers: ClinVar variation 1346597 (VCV001346597.8), dbSNP rs1324832603, ClinGen allele CA351794138.

ClinVar aggregate classification (germline): Uncertain significance (1 of 4 stars; one submission).

Conditions:
Multiple sulfatase deficiency (MSD). Also called: Mucosulfatidosis; Multiple Sulfatase Deficiency Disease; Sulfatidosis, Juvenile, Austin Type. Identifiers: Orphanet 585, MedGen C0268263, MONDO:0010088, OMIM 272200.

Submission:

Labcorp Genetics (formerly Invitae), Labcorp
Classification: Uncertain significance for Multiple sulfatase deficiency. Last evaluated: 2021-12-02. Review status: criteria provided, single submitter. Criteria: Invitae Variant Classification Sherloc (09022015). Collection method: clinical testing. Allele origin: germline.
Comment: This sequence change replaces proline, which is neutral and non-polar, with threonine, which is neutral and polar, at codon 81 of the SUMF1 protein (p.Pro81Thr). This variant is not present in population databases (gnomAD no frequency). This variant has not been reported in the literature in individuals affected with SUMF1-related conditions. Algorithms developed to predict the effect of missense changes on protein structure and function (SIFT, PolyPhen-2, Align-GVGD) all suggest that this variant is likely to be tolerated. In summary, the available evidence is currently insufficient to determine the role of this variant in disease. Therefore, it has been classified as a Variant of Uncertain Significance.